The following is an entry in ClinVar:

ClinVar aggregate classification (germline): Uncertain significance. Review status: criteria provided, multiple submitters, no conflicts (2 of 4 stars). 2 submissions from 2 submitters: Uncertain significance (2). Last evaluated 2024-08-02.

Conditions:
Hereditary cancer-predisposing syndrome. Also called: Tumor predisposition; Neoplastic Syndromes, Hereditary; Hereditary neoplastic syndrome; Hereditary Cancer Syndrome. Identifiers: Orphanet 140162, MedGen C0027672, MeSH D009386, MONDO:0015356.

Allele frequency attached by ClinVar (database versions not stated): gnomAD exomes below 0.00001.
gnomAD v4.1: 2 of 1,611,764 alleles (0.00012%); highest among the groups gnomAD compares: Non-Finnish European, 0.00017%; no homozygotes.

Submissions (2):

Ambry Genetics
Classification: Uncertain significance for Hereditary cancer-predisposing syndrome. Last evaluated: 2024-08-02. Review status: criteria provided, single submitter. Criteria: Ambry Variant Classification Scheme 2023. Collection method: clinical testing. Allele origin: germline.
Comment: The p.V951A variant (also known as c.2852T>C), located in coding exon 18 of the RAD50 gene, results from a T to C substitution at nucleotide position 2852. The valine at codon 951 is replaced by alanine, an amino acid with similar properties. This amino acid position is conserved. In addition, this alteration is predicted to be tolerated by in silico analysis. Based on the available evidence, the clinical significance of this variant remains unclear.

Labcorp Genetics (formerly Invitae), Labcorp
Classification: Uncertain significance for Hereditary cancer-predisposing syndrome. Last evaluated: 2022-02-19. Review status: criteria provided, single submitter. Criteria: Invitae Variant Classification Sherloc (09022015). Collection method: clinical testing. Allele origin: germline.
Comment: ClinVar contains an entry for this variant (Variation ID: 1016894). This variant has not been reported in the literature in individuals affected with RAD50-related conditions. This variant is not present in population databases (gnomAD no frequency). This sequence change replaces valine, which is neutral and non-polar, with alanine, which is neutral and non-polar, at codon 951 of the RAD50 protein (p.Val951Ala). Algorithms developed to predict the effect of missense changes on protein structure and function (SIFT, PolyPhen-2, Align-GVGD) all suggest that this variant is likely to be tolerated. In summary, the available evidence is currently insufficient to determine the role of this variant in disease. Therefore, it has been classified as a Variant of Uncertain Significance.

NM_005732.4(RAD50):c.2852T>C (p.Val951Ala)

Gene: RAD50 (RAD50 double strand break repair protein; plus strand). Cytogenetic location: 5q31.1.
Variant type: single nucleotide variant.
Coding change: c.2852T>C on transcript NM_005732.4 (MANE Select); coding-DNA position 2852, T replaced by C.
Protein change: p.Val951Ala; replaces valine 951 with alanine.
Molecular consequence: missense variant.
Genome position (GRCh38, 1-based): chr5:132,609,139, T>C. VCF-style: chr5-132609139-T-C. GRCh37 (hg19) VCF-style: chr5-131944831-T-C.
Other names: c.2852T>C (NM_005732.3); short protein forms V951A.
Identifiers: ClinVar variation 1016894 (VCV001016894.10), dbSNP rs1751037683, ClinGen allele CA360959495.